The following is an entry in ClinVar:

ClinVar aggregate classification (germline): Uncertain significance (1 of 4 stars; one submission).

Submission:

Labcorp Genetics (formerly Invitae), Labcorp
Classification: Uncertain significance. Last evaluated: 2022-10-03. Review status: criteria provided, single submitter. Criteria: Invitae Variant Classification Sherloc (09022015). Collection method: clinical testing. Allele origin: germline.
Comment: In summary, the available evidence is currently insufficient to determine the role of this variant in disease. Therefore, it has been classified as a Variant of Uncertain Significance. Algorithms developed to predict the effect of missense changes on protein structure and function are either unavailable or do not agree on the potential impact of this missense change (SIFT: "Deleterious"; PolyPhen-2: "Probably Damaging"; Align-GVGD: "Class C0"). This variant has not been reported in the literature in individuals affected with IGSF10-related conditions. This variant is not present in population databases (gnomAD no frequency). This sequence change replaces proline, which is neutral and non-polar, with serine, which is neutral and polar, at codon 220 of the IGSF10 protein (p.Pro220Ser).

NM_178822.5(IGSF10):c.658C>T (p.Pro220Ser)

Gene: IGSF10 (immunoglobulin superfamily member 10; minus strand). Cytogenetic location: 3q25.1.
Variant type: single nucleotide variant.
Coding change: c.658C>T on transcript NM_178822.5 (MANE Select); coding-DNA position 658, C replaced by T.
Protein change: p.Pro220Ser; replaces proline 220 with serine.
Molecular consequence: missense variant.
Genome position (GRCh38, 1-based): chr3:151,453,441, G>A on the plus strand (C>T on the coding strand, the complement: IGSF10 is on the minus strand). VCF-style: chr3-151453441-G-A. GRCh37 (hg19) VCF-style: chr3-151171229-G-A.
Other names: c.658C>T, p.Pro220Ser (NM_001385060.1, NM_001385061.1, NM_001385062.1 and 1 more transcripts); short protein forms P220S.
Identifiers: ClinVar variation 2033939 (VCV002033939.4), dbSNP rs2474520833, ClinGen allele CA355004104.
Genomic context (GRCh38, chr3:151,453,441, plus strand): 5'-TACCTGGCTTCTCCTGTATCCAGTCAGACAACCACTTTAAATGGCAATCACAGGTCCATG[G>A]GTTTCCATGCAGGTAAAGGCTGTCTAGGTCAGGCATATAGGAGACCATCTCTTGAGGGAG-3'
Protein context (NP_849144.2, residues 210-230): DLDSLYLHGN[Pro220Ser]WTCDCHLKWL